The following is an entry in ClinVar:

NM_006208.3(ENPP1):c.85C>G (p.Arg29Gly)

Gene: ENPP1 (ectonucleotide pyrophosphatase/phosphodiesterase 1; plus strand). Cytogenetic location: 6q23.2.
Variant type: single nucleotide variant.
Coding change: c.85C>G on transcript NM_006208.3 (MANE Select); coding-DNA position 85, C replaced by G.
Protein change: p.Arg29Gly; replaces arginine 29 with glycine.
Molecular consequence: missense variant.
Genome position (GRCh38, 1-based): chr6:131,808,120, C>G. VCF-style: chr6-131808120-C-G. GRCh37 (hg19) VCF-style: chr6-132129260-C-G.
Other names: short protein forms R29G.
Identifiers: ClinVar variation 4718505 (VCV004718505.1).
Genomic context (GRCh38, chr6:131,808,120, plus strand): 5'-GGCGGGAGCCGCGGCGGCGAGGGCGGGCGCGCTCCCCGGGAGGGCCCGGCGGGGAACGGC[C>G]GCGATCGGGGCCGCAGCCACGCTGCCGAGGCGCCCGGGGACCCGCAGGCGGCCGCGTCCT-3'
Protein context (NP_006199.2, residues 19-39): APREGPAGNG[Arg29Gly]DRGRSHAAEA

ClinVar aggregate classification (germline): Uncertain significance (1 of 4 stars; one submission).

Submission:

Labcorp Genetics (formerly Invitae), Labcorp
Classification: Uncertain significance. Last evaluated: 2025-04-28. Review status: criteria provided, single submitter. Criteria: Invitae Variant Classification Sherloc (09022015). Collection method: clinical testing. Allele origin: germline.
Comment: This sequence change replaces arginine, which is basic and polar, with glycine, which is neutral and non-polar, at codon 29 of the ENPP1 protein (p.Arg29Gly). The frequency data for this variant in the population databases is considered unreliable, as metrics indicate insufficient coverage at this position in the gnomAD database. This variant has not been reported in the literature in individuals affected with ENPP1-related conditions. An algorithm developed to predict the effect of missense changes on protein structure and function outputs the following: PolyPhen-2: "Not Available". The glycine amino acid residue is found in multiple mammalian species, which suggests that this missense change does not adversely affect protein function. In summary, the available evidence is currently insufficient to determine the role of this variant in disease. Therefore, it has been classified as a Variant of Uncertain Significance.